The following is an entry in ClinVar:

NM_016292.3(TRAP1):c.1631A>G (p.Lys544Arg)

Genes: DNASE1 (deoxyribonuclease 1; plus strand), TRAP1 (TNF receptor associated protein 1; minus strand). Cytogenetic location: 16p13.3.
Variant type: single nucleotide variant.
Coding change: c.1631A>G on transcript NM_016292.3 (MANE Select); coding-DNA position 1631, A replaced by G.
Protein change: p.Lys544Arg; replaces lysine 544 with arginine.
Molecular consequence: missense variant. On other transcripts: 3 prime UTR variant (1).
Genome position (GRCh38, 1-based): chr16:3,663,501, T>C on the plus strand (A>G on the coding strand, the complement: TRAP1 is on the minus strand). VCF-style: chr16-3663501-T-C. GRCh37 (hg19) VCF-style: chr16-3713502-T-C.
Other names: c.1472A>G, p.Lys491Arg (NM_001272049.2); c.*877T>C (NM_001387140.1); short protein forms K491R, K544R.
Identifiers: ClinVar variation 2646126 (VCV002646126.22), dbSNP rs1394621043, ClinGen allele CA394566404.

ClinVar aggregate classification (germline): Uncertain significance (1 of 4 stars; one submission).

Allele frequency attached by ClinVar (database versions not stated): TOPMed below 0.00001; gnomAD 0.00001.
gnomAD v4.1: 1 of 1,614,048 alleles (0.000062%); highest among the groups gnomAD compares: Non-Finnish European, 0.000085%; no homozygotes.

Submission:

CeGaT Center for Human Genetics Tuebingen
Classification: Uncertain significance. Last evaluated: 2023-08-01. Review status: criteria provided, single submitter. Criteria: CeGaT Center For Human Genetics Tuebingen Variant Classification Criteria Version 2. Collection method: clinical testing. Allele origin: germline. Affected: yes. Observed: 1 variant allele.
Comment: TRAP1: PM2, BP4